The following is an entry in ClinVar:

ClinVar aggregate classification (germline): Uncertain significance (1 of 4 stars; one submission).

gnomAD v4.1: 1 of 1,211,366 alleles (0.000083%); highest among the groups gnomAD compares: Non-Finnish European, 0.00011%; no homozygotes.

Submission:

Labcorp Genetics (formerly Invitae), Labcorp
Classification: Uncertain significance. Last evaluated: 2024-05-23. Review status: criteria provided, single submitter. Criteria: Invitae Variant Classification Sherloc (09022015). Collection method: clinical testing. Allele origin: germline.
Comment: This sequence change replaces glycine, which is neutral and non-polar, with valine, which is neutral and non-polar, at codon 130 of the NEXMIF protein (p.Gly130Val). This variant is not present in population databases (gnomAD no frequency). This variant has not been reported in the literature in individuals affected with NEXMIF-related conditions. An algorithm developed to predict the effect of missense changes on protein structure and function (PolyPhen-2) suggests that this variant is likely to be disruptive. In summary, the available evidence is currently insufficient to determine the role of this variant in disease. Therefore, it has been classified as a Variant of Uncertain Significance.

NM_001008537.3(NEXMIF):c.389G>T (p.Gly130Val)

Gene: NEXMIF (neurite extension and migration factor; minus strand). Cytogenetic location: Xq13.3.
Variant type: single nucleotide variant.
Coding change: c.389G>T on transcript NM_001008537.3 (MANE Select); coding-DNA position 389, G replaced by T.
Protein change: p.Gly130Val; replaces glycine 130 with valine.
Molecular consequence: missense variant.
Genome position (GRCh38, 1-based): chrX:74,744,168, C>A on the plus strand (G>T on the coding strand, the complement: NEXMIF is on the minus strand). VCF-style: chrX-74744168-C-A. GRCh37 (hg19) VCF-style: chrX-73964003-C-A.
Other names: short protein forms G130V.
Identifiers: ClinVar variation 3654392 (VCV003654392.2).